The following is an entry in ClinVar:

NM_004006.3(DMD):c.7472A>G (p.Gln2491Arg)

Gene: DMD (dystrophin; minus strand). Cytogenetic location: Xp21.1.
Variant type: single nucleotide variant.
Coding change: c.7472A>G on transcript NM_004006.3 (MANE Select); coding-DNA position 7472, A replaced by G.
Protein change: p.Gln2491Arg; replaces glutamine 2491 with arginine.
Molecular consequence: missense variant.
Genome position (GRCh38, 1-based): chrX:31,774,030, T>C on the plus strand (A>G on the coding strand, the complement: DMD is on the minus strand). VCF-style: chrX-31774030-T-C. GRCh37 (hg19) VCF-style: chrX-31792147-T-C.
Other names: p.Q2491R:CAA>CGA; c.7448A>G, p.Gln2483Arg (NM_000109.4); c.7460A>G, p.Gln2487Arg (NM_004009.3); c.7103A>G, p.Gln2368Arg (NM_004010.3); c.3449A>G, p.Gln1150Arg (NM_004011.4); c.3440A>G, p.Gln1147Arg (NM_004012.4); c.92A>G, p.Gln31Arg (NM_004013.3, NM_004020.4, NM_004021.3 and 2 more transcripts); short protein forms Q2491R, Q2368R, Q1147R, Q1150R, Q2487R, Q31R, Q2483R.
Identifiers: ClinVar variation 201727 (VCV000201727.31), dbSNP rs147694734, ClinGen allele CA308331.

ClinVar aggregate classification (germline): Benign/Likely benign. Review status: criteria provided, multiple submitters, no conflicts (2 of 4 stars). 10 submissions from 10 submitters: Benign (4); Likely benign (5). 1 of the submissions does not count toward it. Last evaluated 2026-01-27.

Conditions:
Dystrophin deficiency.
Duchenne muscular dystrophy (DMD). Also called: Duchenne Muscular Dystrophy (DMD); MUSCULAR DYSTROPHY, PSEUDOHYPERTROPHIC PROGRESSIVE, DUCHENNE TYPE. Identifiers: Orphanet 98896, MedGen C0013264, MONDO:0010679, OMIM 310200.
Becker muscular dystrophy (BMD). Also called: Becker Muscular Dystrophy (BMD); MUSCULAR DYSTROPHY, PSEUDOHYPERTROPHIC PROGRESSIVE, BECKER TYPE. Identifiers: Orphanet 98895, MedGen C0917713, MONDO:0010311, OMIM 300376.
Cardiomyopathy (CMYO). Also called: Cardiomyopathies. Identifiers: Orphanet 167848, MedGen C0878544, MONDO:0004994, HP:0001638. Inheritance: Various modes of inheritance.
Cardiovascular phenotype. Identifiers: MedGen CN230736.

Allele frequency attached by ClinVar (database versions not stated): gnomAD exomes 0.00014 and 0.00041; ExAC 0.00059; gnomAD 0.00135 and 0.00143; TOPMed 0.00168; 1000 Genomes Project 30x 0.00187; ESP Exome Variant Server 0.00199; 1000 Genomes Project 0.00212.
gnomAD v4.1: 300 of 1,207,713 alleles (0.025%); highest among the groups gnomAD compares: African/African-American, 0.47%; no homozygotes.

Submissions (10):

Labcorp Genetics (formerly Invitae), Labcorp
Classification: Benign for Duchenne muscular dystrophy. Last evaluated: 2026-01-27. Review status: criteria provided, single submitter. Criteria: Invitae Variant Classification Sherloc (09022015). Collection method: clinical testing. Allele origin: germline.

Molecular Diagnostic Laboratory for Inherited Cardiovascular Disease, Montreal Heart Institute
Classification: Likely benign. Last evaluated: 2025-04-09. Review status: criteria provided, single submitter. Criteria: ACMG Guidelines, 2015. Collection method: clinical testing. Allele origin: germline. Affected: no.
Comment: BS1;BP1;BP4;BP6

Blueprint Genetics
Classification: Likely benign. Last evaluated: 2024-10-22. Review status: criteria provided, single submitter. Criteria: ACMG Guidelines, 2015. Collection method: clinical testing. Allele origin: germline.

ARUP Laboratories, Molecular Genetics and Genomics, ARUP Laboratories
Classification: Likely benign. Last evaluated: 2023-10-16. Review status: criteria provided, single submitter. Criteria: ARUP Molecular Germline Variant Investigation Process 2024. Collection method: clinical testing. Allele origin: germline.

Women's Health and Genetics/Laboratory Corporation of America, LabCorp
Classification: Likely benign. Last evaluated: 2022-11-13. Review status: criteria provided, single submitter. Criteria: LabCorp Variant Classification Summary - May 2015. Collection method: clinical testing. Allele origin: germline.

Athena Diagnostics
Classification: Benign. Last evaluated: 2018-12-03. Review status: criteria provided, single submitter. Criteria: Athena Diagnostics Criteria. Collection method: clinical testing. Allele origin: germline.

Ambry Genetics
Classification: Benign for Cardiovascular phenotype. Last evaluated: 2018-10-23. Review status: criteria provided, single submitter. Criteria: Ambry Variant Classification Scheme 2023. Collection method: clinical testing. Allele origin: germline.

GeneDx
Classification: Benign. Last evaluated: 2016-12-27. Review status: criteria provided, single submitter. Criteria: GeneDx Variant Classification (06012015). Collection method: clinical testing. Allele origin: germline. Affected: yes.
Comment: This variant is considered likely benign or benign based on one or more of the following criteria: it is a conservative change, it occurs at a poorly conserved position in the protein, it is predicted to be benign by multiple in silico algorithms, and/or has population frequency not consistent with disease.

Eurofins Ntd Llc (ga)
Classification: Likely benign. Last evaluated: 2015-11-09. Review status: criteria provided, single submitter. Criteria: EGL Classification Definitions 2015. Collection method: clinical testing. Allele origin: germline. Observed: 2 variant alleles, 1 heterozygote, 1 hemizygote.

Natera, Inc.
Classification: Likely benign for Becker muscular dystrophy; Cardiomyopathy; Duchenne muscular dystrophy; Dystrophin deficiency. Last evaluated: 2020-04-12. Review status: no assertion criteria provided. Collection method: clinical testing. Allele origin: germline. Not counted in ClinVar's aggregate classification.